The following is an entry in ClinVar:

NM_015338.6(ASXL1):c.499G>T (p.Val167Leu)

Gene: ASXL1 (ASXL transcriptional regulator 1; plus strand). Cytogenetic location: 20q11.21.
Variant type: single nucleotide variant.
Coding change: c.499G>T on transcript NM_015338.6 (MANE Select); coding-DNA position 499, G replaced by T.
Protein change: p.Val167Leu; replaces valine 167 with leucine.
Molecular consequence: missense variant.
Genome position (GRCh38, 1-based): chr20:32,429,365, G>T. VCF-style: chr20-32429365-G-T. GRCh37 (hg19) VCF-style: chr20-31017168-G-T.
Other names: c.469G>T, p.Val157Leu (NM_001363734.1); short protein forms V157L, V167L.
Identifiers: ClinVar variation 4158413 (VCV004158413.1).
Genomic context (GRCh38, chr20:32,429,365, plus strand): 5'-TTGGGCTCTCTTTTGTTCTCTCTTGGAACGCAGGCGAACAAACAAAAGAAAAAGACTGGG[G>T]TGATGCTGCCTCGAGTTGTCCTGACTCCTCTGAAGGTAAACGGGGCCCACGTGGAATCTG-3'
Protein context (NP_056153.2, residues 157-177): QANKQKKKTG[Val167Leu]MLPRVVLTPL

ClinVar aggregate classification (germline): Uncertain significance (1 of 4 stars; one submission).

Conditions:
Inborn genetic diseases. Identifiers: MedGen C0950123, MeSH D030342.

Submission:

Ambry Genetics
Classification: Uncertain significance for Inborn genetic diseases. Last evaluated: 2025-07-28. Review status: criteria provided, single submitter. Criteria: Ambry Variant Classification Scheme 2023. Collection method: clinical testing. Allele origin: germline.
Comment: The p.V167L variant (also known as c.499G>T), located in coding exon 7 of the ASXL1 gene, results from a G to T substitution at nucleotide position 499. The valine at codon 167 is replaced by leucine, an amino acid with highly similar properties. This amino acid position is conserved. In addition, this alteration is predicted to be tolerated by in silico analysis. Based on the available evidence, the clinical significance of this variant remains unclear.